The following is an entry in ClinVar:

NM_001961.4(EEF2):c.1689G>C (p.Glu563Asp)

Gene: EEF2 (eukaryotic translation elongation factor 2; minus strand). Cytogenetic location: 19p13.3.
Variant type: single nucleotide variant.
Coding change: c.1689G>C on transcript NM_001961.4 (MANE Select); coding-DNA position 1689, G replaced by C.
Protein change: p.Glu563Asp; replaces glutamic acid 563 with aspartic acid.
Molecular consequence: missense variant.
Genome position (GRCh38, 1-based): chr19:3,979,353, C>G on the plus strand (G>C on the coding strand, the complement: EEF2 is on the minus strand). VCF-style: chr19-3979353-C-G. GRCh37 (hg19) VCF-style: chr19-3979351-C-G.
Other names: short protein forms E563D.
Identifiers: ClinVar variation 4855173 (VCV004855173.1).

ClinVar aggregate classification (germline): Uncertain significance (1 of 4 stars; one submission).

Conditions:
EEF2-related disorder. Also called: EEF2-related condition.

Submission:

3billion
Classification: Uncertain significance for EEF2-related disorder. Last evaluated: 2025-09-30. Review status: criteria provided, single submitter. Criteria: ACMG Guidelines, 2015. Collection method: clinical testing. Allele origin: germline. Affected: yes.
Comment: The variant is not observed in the gnomAD v4.1.0 dataset. Predicted Consequence/Location: Missense variant. Missense changes are a common disease-causing mechanism. Damaging effect on gene or gene product predicted by in silico programs is uncertain [REVEL: 0.27 (damaging >=0.6, benign <0.4), 3Cnet: 0.39 (damaging >0.75, benign <0.1)]. Therefore, this variant is classified as VUS according to the recommendation of ACMG/AMP guideline.